The following is an entry in ClinVar:

ClinVar aggregate classification (germline): Uncertain significance (1 of 4 stars; one submission).

Submission:

Labcorp Genetics (formerly Invitae), Labcorp
Classification: Uncertain significance. Last evaluated: 2022-08-09. Review status: criteria provided, single submitter. Criteria: Invitae Variant Classification Sherloc (09022015). Collection method: clinical testing. Allele origin: germline.
Comment: In summary, the available evidence is currently insufficient to determine the role of this variant in disease. Therefore, it has been classified as a Variant of Uncertain Significance. Algorithms developed to predict the effect of missense changes on protein structure and function (SIFT, PolyPhen-2, Align-GVGD) all suggest that this variant is likely to be tolerated. ClinVar contains an entry for this variant (Variation ID: 1367664). This variant has not been reported in the literature in individuals affected with TAF2-related conditions. This variant is not present in population databases (gnomAD no frequency). This sequence change replaces glutamic acid, which is acidic and polar, with alanine, which is neutral and non-polar, at codon 641 of the TAF2 protein (p.Glu641Ala).

NM_003184.4(TAF2):c.1922A>C (p.Glu641Ala)

Gene: TAF2 (TATA-box binding protein associated factor 2; minus strand). Cytogenetic location: 8q24.12.
Variant type: single nucleotide variant.
Coding change: c.1922A>C on transcript NM_003184.4 (MANE Select); coding-DNA position 1922, A replaced by C.
Protein change: p.Glu641Ala; replaces glutamic acid 641 with alanine.
Molecular consequence: missense variant.
Genome position (GRCh38, 1-based): chr8:119,783,571, T>G on the plus strand (A>C on the coding strand, the complement: TAF2 is on the minus strand). VCF-style: chr8-119783571-T-G. GRCh37 (hg19) VCF-style: chr8-120795811-T-G.
Other names: short protein forms E641A.
Identifiers: ClinVar variation 1367664 (VCV001367664.8), dbSNP rs2131142960, ClinGen allele CA371880826.